The following is an entry in ClinVar:

NM_152281.3(GORAB):c.-21G>A

Genes: GORAB (golgin, RAB6 interacting; plus strand), GORAB-AS1 (GORAB antisense RNA 1; minus strand). Cytogenetic location: 1q24.2.
Variant type: single nucleotide variant.
Coding change: c.-21G>A on transcript NM_152281.3 (MANE Select); 21 bases upstream of the start codon, G replaced by A.
Molecular consequence: 5 prime UTR variant. On other transcripts: non-coding transcript variant (1).
Genome position (GRCh38, 1-based): chr1:170,532,203, G>A. VCF-style: chr1-170532203-G-A. GRCh37 (hg19) VCF-style: chr1-170501344-G-A.
Other names: c.-21G>A (NM_001146039.2); c.-786G>A (NM_001320252.2); c.55G>A (NM_152281.2).
Identifiers: ClinVar variation 1013262 (VCV001013262.43), dbSNP rs149401558, ClinGen allele CA1238983.

ClinVar aggregate classification (germline): Uncertain significance. Review status: criteria provided, multiple submitters, no conflicts (2 of 4 stars). 4 submissions from 4 submitters: Uncertain significance (4). Last evaluated 2025-01-21.

Conditions:
Inborn genetic diseases. Identifiers: MedGen C0950123, MeSH D030342.
Geroderma osteodysplastica (GO). Also called: WALT DISNEY DWARFISM; Geroderma osteodysplasticum. Identifiers: Orphanet 2078, MedGen C0432255, MONDO:0009271, OMIM 231070.

Allele frequency attached by ClinVar (database versions not stated): TOPMed 0.00005; ExAC 0.00007; gnomAD 0.00007 and 0.00008; gnomAD exomes 0.00007; ESP Exome Variant Server 0.00008.
gnomAD v4.1: 111 of 1,613,858 alleles (0.0069%); highest among the groups gnomAD compares: Non-Finnish European, 0.0086%; no homozygotes.

Submissions (4):

Ambry Genetics
Classification: Uncertain significance for Inborn genetic diseases. Last evaluated: 2025-01-21. Review status: criteria provided, single submitter. Criteria: Ambry Variant Classification Scheme 2023. Collection method: clinical testing. Allele origin: germline.

Genome-Nilou Lab
Classification: Uncertain significance for Geroderma osteodysplastica. Last evaluated: 2023-04-11. Review status: criteria provided, single submitter. Criteria: ACMG Guidelines, 2015. Collection method: clinical testing. Allele origin: germline. Affected: no.

Labcorp Genetics (formerly Invitae), Labcorp
Classification: Uncertain significance. Last evaluated: 2022-08-09. Review status: criteria provided, single submitter. Criteria: Invitae Variant Classification Sherloc (09022015). Collection method: clinical testing. Allele origin: germline.
Comment: This sequence change replaces glycine, which is neutral and non-polar, with arginine, which is basic and polar, at codon 19 of the GORAB protein (p.Gly19Arg). This variant is present in population databases (rs149401558, gnomAD 0.01%). This variant has not been reported in the literature in individuals affected with GORAB-related conditions. ClinVar contains an entry for this variant (Variation ID: 1013262). Algorithms developed to predict the effect of missense changes on protein structure and function are either unavailable or do not agree on the potential impact of this missense change (SIFT: "Tolerated"; PolyPhen-2: "Probably Damaging"; Align-GVGD: "Class C0"). Algorithms developed to predict the effect of sequence changes on RNA splicing suggest that this variant may create or strengthen a splice site. In summary, the available evidence is currently insufficient to determine the role of this variant in disease. Therefore, it has been classified as a Variant of Uncertain Significance.

CeGaT Center for Human Genetics Tuebingen
Classification: Uncertain significance. Last evaluated: 2020-07-01. Review status: criteria provided, single submitter. Criteria: CeGaT Center For Human Genetics Tuebingen Variant Classification Criteria Version 2. Collection method: clinical testing. Allele origin: germline. Affected: yes. Observed: 1 variant allele.